The following is an entry in ClinVar:

NM_000426.4(LAMA2):c.671del (p.Ser224fs)

Gene: LAMA2 (laminin subunit alpha 2; plus strand). Cytogenetic location: 6q22.33.
Variant type: Deletion.
Coding change: c.671del on transcript NM_000426.4 (MANE Select); coding-DNA position 671, one base deleted (G; older notation c.671delG).
Protein change: p.Ser224fs; shifts the reading frame from serine 224.
Molecular consequence: frameshift variant.
Genome position (GRCh38, 1-based): chr6:129,143,932, G deleted. VCF-style (leftmost placement, unchanged base first): chr6-129143931-AG-A. GRCh37 (hg19) VCF-style: chr6-129465076-AG-A.
Other names: c.671delG, p.Ser224Metfs (NM_000426.3); c.671del, p.Ser224fs (NM_001079823.2); short protein forms S224fs.
Identifiers: ClinVar variation 4527038 (VCV004527038.1).
Genomic context (GRCh38, chr6:129,143,931, plus strand): 5'-AATTGTTAAATTATTTTTCATATTGTGTAGATTCACATCTCTTTAATCAATGGGAGACCA[AG>A]TGCCGATGATCCTTCTCCAGAACTGCTAGAATTTACCTCCGCTCGCTATATTCGCCTGAG-3'

ClinVar aggregate classification (germline): Pathogenic (1 of 4 stars; one submission).

Submission:

GeneDx
Classification: Pathogenic. Last evaluated: 2025-05-09. Review status: criteria provided, single submitter. Criteria: GeneDx Variant Classification Process June 2021. Collection method: clinical testing. Allele origin: germline. Affected: yes.
Comment: Frameshift variant predicted to result in protein truncation or nonsense mediated decay in a gene for which loss of function is a known mechanism of disease; Not observed at significant frequency in large population cohorts (gnomAD); This variant is associated with the following publications: (PMID: 36575883)